The following is an entry in ClinVar:

NM_004456.5(EZH2):c.1672+2dup

Gene: EZH2 (enhancer of zeste 2 polycomb repressive complex 2 subunit; minus strand). Cytogenetic location: 7q36.1.
Variant type: Duplication.
Coding change: c.1672+2dup on transcript NM_004456.5 (MANE Select); the canonical splice donor site of the intron after coding-DNA position 1672, one base duplicated (T; older notation c.1672+2dupT).
Molecular consequence: splice donor variant. On other transcripts: intron variant (1).
Genome position (GRCh38, 1-based): chr7:148,814,912, A duplicated on the plus strand (T on the coding strand, the reverse complement: EZH2 is on the minus strand). VCF-style (leftmost placement, unchanged base first): chr7-148814911-T-TA. GRCh37 (hg19) VCF-style: chr7-148512003-T-TA.
Other names: c.1630+2dup (NM_001203248.2); c.1540+2dup (NM_152998.3); c.1657+2dup (NM_001203247.2); c.1504+594dup (NM_001203249.2).
Identifiers: ClinVar variation 1055577 (VCV001055577.8), dbSNP rs2129470090, ClinGen allele CA2499218777.

ClinVar aggregate classification (germline): Uncertain significance. Review status: criteria provided, multiple submitters, no conflicts (2 of 4 stars). 2 submissions from 2 submitters: Uncertain significance (2). Last evaluated 2020-05-21.

Conditions:
Weaver syndrome (WVS). Also called: Weaver Smith syndrome; Overgrowth syndrome with accelerated skeletal maturation, unusual facies, and camptodactyly. Identifiers: Orphanet 3447, MedGen C0265210, MONDO:0010193, OMIM 277590.

Submissions (2):

Labcorp Genetics (formerly Invitae), Labcorp
Classification: Uncertain significance for Weaver syndrome. Last evaluated: 2020-05-21. Review status: criteria provided, single submitter. Criteria: Invitae Variant Classification Sherloc (09022015). Collection method: clinical testing. Allele origin: germline.
Comment: In summary, the available evidence is currently insufficient to determine the role of this variant in disease. Therefore, it has been classified as a Variant of Uncertain Significance. Nucleotide substitutions within the consensus splice site are a relatively common cause of aberrant splicing (PMID: 17576681, 9536098). Algorithms developed to predict the effect of sequence changes on RNA splicing suggest that this variant may disrupt the consensus splice site, but this prediction has not been confirmed by published transcriptional studies. This variant is not present in population databases (ExAC no frequency). This variant has not been reported in the literature in individuals with EZH2-related conditions. This sequence change falls in intron 14 of the EZH2 gene. It does not directly change the encoded amino acid sequence of the EZH2 protein, but it affects a nucleotide within the consensus splice site of the intron.

Blueprint Genetics
Classification: Uncertain significance. Last evaluated: 2019-07-13. Review status: criteria provided, single submitter. Criteria: ACMG Guidelines, 2015. Collection method: clinical testing. Allele origin: germline.

Literature cited by the submitters: PubMed 17576681 (cited by Labcorp Genetics (formerly Invitae), Labcorp); PubMed 9536098 (cited by Labcorp Genetics (formerly Invitae), Labcorp).